The following is an entry in ClinVar:

ClinVar aggregate classification (germline): Pathogenic (1 of 4 stars; one submission).

Submission:

GeneDx
Classification: Pathogenic. Last evaluated: 2019-03-07. Review status: criteria provided, single submitter. Criteria: GeneDx Variant Classification (06012015). Collection method: clinical testing. Allele origin: germline. Affected: yes.
Comment: The c.798_804delCCCGGCT variant in the LONP1 gene has not been reported previously as a pathogenic variant nor as a benign variant, to our knowledge. The c.798_804delCCCGGCT variant causes a frameshift starting with codon Proline 267, changes this amino acid to an Arginine residue, and creates a premature Stop codon at position 7 of the new reading frame, denoted p.Pro267ArgfsX7. This variant is predicted to cause loss of normal protein function either through protein truncation or nonsense-mediated mRNA decay. The c.798_804delCCCGGCT variant is not observed in large population cohorts (Lek et al., 2016). We interpret c.798_804delCCCGGCT as a pathogenic variant.

NM_004793.4(LONP1):c.798_804del (p.Pro267fs)

Gene: LONP1 (lon peptidase 1, mitochondrial; minus strand). Cytogenetic location: 19p13.3.
Variant type: Deletion.
Coding change: c.798_804del on transcript NM_004793.4 (MANE Select); coding-DNA positions 798 to 804, 7 bases deleted (CCCGGCT; older notation c.798_804delCCCGGCT).
Protein change: p.Pro267fs; shifts the reading frame from proline 267.
Molecular consequence: frameshift variant. On other transcripts: non-coding transcript variant (1).
Genome position (GRCh38, 1-based): chr19:5,711,837-5,711,843, AGCCGGG deleted on the plus strand (CCCGGCT on the coding strand, the reverse complement: LONP1 is on the minus strand); deleting any 7 consecutive bases within chr19:5,711,837-5,711,846 gives the same sequence; the c. name uses the placement nearest the transcript's 3' end. VCF-style (leftmost placement, unchanged base first): chr19-5711836-CAGCCGGG-C. GRCh37 (hg19) VCF-style: chr19-5711847-CAGCCGGG-C.
Other names: c.606_612del, p.Pro203fs (NM_001276479.2); c.210_216del, p.Pro71fs (NM_001276480.1); short protein forms P203fs, P71fs, P267fs.
Identifiers: ClinVar variation 818055 (VCV000818055.1), dbSNP rs1599475959, ClinGen allele CA915951617.
Genomic context (GRCh38, chr19:5,711,836, plus strand): 5'-CCTCCTCCGTGACCTGGAAGTCCTCGTGGACAACGTTCTCTACCTCCACCATGAGCACCT[CAGCCGGG>C]AGCTCAGGGGTGGGCTCCATCGCCAGCTCCGCCGGGTGCCTGGCGCTCAGCTCGTCCTCC-3'